The following is an entry in ClinVar:

NM_003335.3(UBA7):c.1173C>T (p.Ala391=)

Gene: UBA7 (ubiquitin like modifier activating enzyme 7; minus strand). Cytogenetic location: 3p21.31.
Variant type: single nucleotide variant.
Coding change: c.1173C>T on transcript NM_003335.3 (MANE Select); coding-DNA position 1173, C replaced by T.
Protein change: p.Ala391=; no amino-acid change (alanine 391 retained).
Molecular consequence: synonymous variant.
Genome position (GRCh38, 1-based): chr3:49,811,041, G>A on the plus strand (C>T on the coding strand, the complement: UBA7 is on the minus strand). VCF-style: chr3-49811041-G-A. GRCh37 (hg19) VCF-style: chr3-49848474-G-A.
Identifiers: ClinVar variation 3057290 (VCV003057290.2), dbSNP rs114065231, ClinGen allele CA2407134.

ClinVar aggregate classification (germline): Likely benign (0 of 4 stars; one submission).

Conditions:
UBA7-related disorder. Also called: UBA7-related condition.

Allele frequency attached by ClinVar (database versions not stated): 1000 Genomes Project 0.00020; gnomAD 0.00028; TOPMed 0.00030; 1000 Genomes Project 30x 0.00031; ExAC 0.00032; gnomAD exomes 0.00044; ESP Exome Variant Server 0.00046.

Submission:

PreventionGenetics, part of Exact Sciences
Classification: Likely benign for UBA7-related condition. Last evaluated: 2019-03-14. Review status: no assertion criteria provided. Collection method: clinical testing. Allele origin: germline.
Comment: This variant is classified as likely benign based on ACMG/AMP sequence variant interpretation guidelines (Richards et al. 2015 PMID: 25741868, with internal and published modifications).